The following is an entry in ClinVar:

ClinVar aggregate classification (germline): Conflicting classifications of pathogenicity. Review status: criteria provided, conflicting classifications (1 of 4 stars). 4 submissions from 4 submitters: Uncertain significance (3); Likely benign (1). Last evaluated 2026-02-03.

Conditions:
Hereditary cancer-predisposing syndrome. Also called: Tumor predisposition; Neoplastic Syndromes, Hereditary; Hereditary neoplastic syndrome; Hereditary Cancer Syndrome. Identifiers: Orphanet 140162, MedGen C0027672, MeSH D009386, MONDO:0015356.
Familial meningioma. Also called: Meningioma, familial, susceptibility to. Identifiers: Orphanet 263662, MedGen C3551915, MONDO:0011789, OMIM 607174.

Allele frequency attached by ClinVar (database versions not stated): gnomAD 0.00001; TOPMed 0.00002; gnomAD exomes 0.00003; ExAC 0.00004.
gnomAD v4.1: 38 of 1,613,526 alleles (0.0024%); highest among the groups gnomAD compares: Non-Finnish European, 0.0031%; no homozygotes.

Submissions (4):

Labcorp Genetics (formerly Invitae), Labcorp
Classification: Uncertain significance for Familial meningioma. Last evaluated: 2026-02-03. Review status: criteria provided, single submitter. Criteria: Invitae Variant Classification Sherloc (09022015). Collection method: clinical testing. Allele origin: germline.
Comment: This sequence change replaces glutamic acid, which is acidic and polar, with lysine, which is basic and polar, at codon 348 of the SMARCE1 protein (p.Glu348Lys). This variant is present in population databases (rs754993965, gnomAD 0.006%). This variant has not been reported in the literature in individuals affected with SMARCE1-related conditions. ClinVar contains an entry for this variant (Variation ID: 851003). Invitae Evidence Modeling of protein sequence and biophysical properties (such as structural, functional, and spatial information, amino acid conservation, physicochemical variation, residue mobility, and thermodynamic stability) indicates that this missense variant is not expected to disrupt SMARCE1 protein function with a negative predictive value of 80%. In summary, the available evidence is currently insufficient to determine the role of this variant in disease. Therefore, it has been classified as a Variant of Uncertain Significance.

Ambry Genetics
Classification: Likely benign for Hereditary cancer-predisposing syndrome. Last evaluated: 2024-08-29. Review status: criteria provided, single submitter. Criteria: Ambry Variant Classification Scheme 2023. Collection method: clinical testing. Allele origin: germline.

Baylor Genetics
Classification: Uncertain significance for Familial meningioma. Last evaluated: 2023-10-17. Review status: criteria provided, single submitter. Criteria: ACMG Guidelines, 2015. Collection method: clinical testing. Allele origin: unknown.

GeneDx
Classification: Uncertain significance. Last evaluated: 2022-12-15. Review status: criteria provided, single submitter. Criteria: GeneDx Variant Classification Process June 2021. Collection method: clinical testing. Allele origin: germline. Affected: yes.
Comment: In silico analysis supports that this missense variant does not alter protein structure/function; Has not been previously published as pathogenic or benign to our knowledge; This variant is associated with the following publications: (PMID: 19245665)

NM_003079.5(SMARCE1):c.1042G>A (p.Glu348Lys)

Gene: SMARCE1 (SWI/SNF related BAF chromatin remodeling complex subunit E1; minus strand). Cytogenetic location: 17q21.2.
Variant type: single nucleotide variant.
Coding change: c.1042G>A on transcript NM_003079.5 (MANE Select); coding-DNA position 1042, G replaced by A.
Protein change: p.Glu348Lys; replaces glutamic acid 348 with lysine.
Molecular consequence: missense variant.
Genome position (GRCh38, 1-based): chr17:40,628,979, C>T on the plus strand (G>A on the coding strand, the complement: SMARCE1 is on the minus strand). VCF-style: chr17-40628979-C-T. GRCh37 (hg19) VCF-style: chr17-38785231-C-T.
Other names: short protein forms E348K.
Identifiers: ClinVar variation 851003 (VCV000851003.13), dbSNP rs754993965, ClinGen allele CA8545072.